The following is an entry in ClinVar:

NM_006790.3(MYOT):c.1291G>A (p.Val431Met)

Genes: MYOT (myotilin; plus strand), PKD2L2-DT (PKD2L2 divergent transcript; minus strand). Cytogenetic location: 5q31.2.
Variant type: single nucleotide variant.
Coding change: c.1291G>A on transcript NM_006790.3 (MANE Select); coding-DNA position 1291, G replaced by A.
Protein change: p.Val431Met; replaces valine 431 with methionine.
Molecular consequence: missense variant.
Genome position (GRCh38, 1-based): chr5:137,886,964, G>A. VCF-style: chr5-137886964-G-A. GRCh37 (hg19) VCF-style: chr5-137222653-G-A.
Other names: c.1291G>A (NM_006790.2); c.739G>A, p.Val247Met (NM_001135940.2); c.946G>A, p.Val316Met (NM_001300911.2); short protein forms V247M, V316M, V431M.
Identifiers: ClinVar variation 1021569 (VCV001021569.10), dbSNP rs756306645, ClinGen allele CA3423145.

ClinVar aggregate classification (germline): Uncertain significance. Review status: criteria provided, multiple submitters, no conflicts (2 of 4 stars). 2 submissions from 2 submitters: Uncertain significance (2). Last evaluated 2025-05-05.

Conditions:
Myofibrillar myopathy 3 (MFM3). Also called: Muscular dystrophy, proximal, type 1A; Autosomal dominant spheroid body myopathy. Identifiers: Orphanet 266, Orphanet 268129, MedGen C3714934, MONDO:0012215, OMIM 609200.
Inborn genetic diseases. Identifiers: MedGen C0950123, MeSH D030342.

Allele frequency attached by ClinVar (database versions not stated): gnomAD exomes below 0.00001; ExAC 0.00001; TOPMed 0.00001.
gnomAD v4.1: 4 of 1,613,564 alleles (0.00025%); highest among the groups gnomAD compares: African/African-American, 0.0027%; no homozygotes.

Submissions (2):

Ambry Genetics
Classification: Uncertain significance for Inborn genetic diseases. Last evaluated: 2025-05-05. Review status: criteria provided, single submitter. Criteria: Ambry Variant Classification Scheme 2023. Collection method: clinical testing. Allele origin: germline.

Labcorp Genetics (formerly Invitae), Labcorp
Classification: Uncertain significance for Myofibrillar myopathy 3. Last evaluated: 2023-11-18. Review status: criteria provided, single submitter. Criteria: Invitae Variant Classification Sherloc (09022015). Collection method: clinical testing. Allele origin: germline.
Comment: This sequence change replaces valine, which is neutral and non-polar, with methionine, which is neutral and non-polar, at codon 431 of the MYOT protein (p.Val431Met). This variant is present in population databases (rs756306645, gnomAD no frequency). This variant has not been reported in the literature in individuals affected with MYOT-related conditions. ClinVar contains an entry for this variant (Variation ID: 1021569). An algorithm developed to predict the effect of missense changes on protein structure and function (PolyPhen-2) suggests that this variant is likely to be tolerated. In summary, the available evidence is currently insufficient to determine the role of this variant in disease. Therefore, it has been classified as a Variant of Uncertain Significance.